The following is an entry in ClinVar:

ClinVar aggregate classification (germline): Uncertain significance. Review status: criteria provided, multiple submitters, no conflicts (2 of 4 stars). 2 submissions from 2 submitters: Uncertain significance (2). Last evaluated 2025-06-09.

Submissions (2):

Labcorp Genetics (formerly Invitae), Labcorp
Classification: Uncertain significance. Last evaluated: 2025-06-09. Review status: criteria provided, single submitter. Criteria: Invitae Variant Classification Sherloc (09022015). Collection method: clinical testing. Allele origin: germline.
Comment: This sequence change replaces serine, which is neutral and polar, with isoleucine, which is neutral and non-polar, at codon 1533 of the RAI1 protein (p.Ser1533Ile). This variant is not present in population databases (gnomAD no frequency). This variant has not been reported in the literature in individuals affected with RAI1-related conditions. Invitae Evidence Modeling of protein sequence and biophysical properties (such as structural, functional, and spatial information, amino acid conservation, physicochemical variation, residue mobility, and thermodynamic stability) indicates that this missense variant is not expected to disrupt RAI1 protein function with a negative predictive value of 80%. In summary, the available evidence is currently insufficient to determine the role of this variant in disease. Therefore, it has been classified as a Variant of Uncertain Significance.

GeneDx
Classification: Uncertain significance. Last evaluated: 2025-02-04. Review status: criteria provided, single submitter. Criteria: GeneDx Variant Classification Process June 2021. Collection method: clinical testing. Allele origin: germline. Affected: yes.
Comment: Not observed at significant frequency in large population cohorts (gnomAD); In silico analysis indicates that this missense variant does not alter protein structure/function; Has not been previously published as pathogenic or benign to our knowledge

NM_030665.4(RAI1):c.4598G>T (p.Ser1533Ile)

Gene: RAI1 (retinoic acid induced 1; plus strand). Cytogenetic location: 17p11.2.
Variant type: single nucleotide variant.
Coding change: c.4598G>T on transcript NM_030665.4 (MANE Select); coding-DNA position 4598, G replaced by T.
Protein change: p.Ser1533Ile; replaces serine 1533 with isoleucine.
Molecular consequence: missense variant.
Genome position (GRCh38, 1-based): chr17:17,797,546, G>T. VCF-style: chr17-17797546-G-T. GRCh37 (hg19) VCF-style: chr17-17700860-G-T.
Other names: short protein forms S1533I.
Identifiers: ClinVar variation 4074559 (VCV004074559.2).